The following is an entry in ClinVar:

ClinVar aggregate classification (germline): Uncertain significance (1 of 4 stars; one submission).

Conditions:
Hereditary pheochromocytoma and paraganglioma. Also called: Hereditary pheochromocytoma-paraganglioma; Hereditary Paraganglioma-Pheochromocytoma Syndromes; Hereditary paragangliomas and pheochromocytomas. Identifiers: Orphanet 29072, MedGen C4274332, MONDO:0017366.

Submission:

Labcorp Genetics (formerly Invitae), Labcorp
Classification: Uncertain significance for Hereditary pheochromocytoma and paraganglioma. Last evaluated: 2024-08-28. Review status: criteria provided, single submitter. Criteria: Invitae Variant Classification Sherloc (09022015). Collection method: clinical testing. Allele origin: germline.
Comment: This sequence change replaces aspartic acid, which is acidic and polar, with glutamic acid, which is acidic and polar, at codon 106 of the SDHAF2 protein (p.Asp106Glu). This variant is not present in population databases (gnomAD no frequency). This variant has not been reported in the literature in individuals affected with SDHAF2-related conditions. ClinVar contains an entry for this variant (Variation ID: 1010109). An algorithm developed to predict the effect of missense changes on protein structure and function (PolyPhen-2) suggests that this variant is likely to be disruptive. In summary, the available evidence is currently insufficient to determine the role of this variant in disease. Therefore, it has been classified as a Variant of Uncertain Significance.

NM_017841.4(SDHAF2):c.318C>A (p.Asp106Glu)

Gene: SDHAF2 (succinate dehydrogenase complex assembly factor 2; plus strand). Cytogenetic location: 11q12.2.
Variant type: single nucleotide variant.
Coding change: c.318C>A on transcript NM_017841.4 (MANE Select); coding-DNA position 318, C replaced by A.
Protein change: p.Asp106Glu; replaces aspartic acid 106 with glutamic acid.
Molecular consequence: missense variant.
Genome position (GRCh38, 1-based): chr11:61,438,061, C>A. VCF-style: chr11-61438061-C-A. GRCh37 (hg19) VCF-style: chr11-61205533-C-A.
Other names: short protein forms D106E.
Identifiers: ClinVar variation 1010109 (VCV001010109.8), dbSNP rs1862016302, ClinGen allele CA380684142.